The following is an entry in ClinVar:

NM_006017.3(PROM1):c.2545G>A (p.Asp849Asn)

Gene: PROM1 (prominin 1; minus strand). Cytogenetic location: 4p15.32.
Variant type: single nucleotide variant.
Coding change: c.2545G>A on transcript NM_006017.3 (MANE Select); coding-DNA position 2545, G replaced by A.
Protein change: p.Asp849Asn; replaces aspartic acid 849 with asparagine.
Molecular consequence: missense variant. On other transcripts: intron variant (6).
Genome position (GRCh38, 1-based): chr4:15,979,432, C>T on the plus strand (G>A on the coding strand, the complement: PROM1 is on the minus strand). VCF-style: chr4-15979432-C-T. GRCh37 (hg19) VCF-style: chr4-15981055-C-T.
Other names: c.2518G>A, p.Asp840Asn (NM_001145847.2, NM_001145848.2, NM_001371406.1); c.2462+990G>A (NM_001145852.2, NM_001371408.1, NM_001371407.1); c.2489+990G>A (NM_001145850.2); c.2486+449G>A (NM_001145851.2); c.2513+449G>A (NM_001145849.2); short protein forms D840N, D849N.
Identifiers: ClinVar variation 1908955 (VCV001908955.5), dbSNP rs759487438, ClinGen allele CA2866326.

ClinVar aggregate classification (germline): Uncertain significance (1 of 4 stars; one submission).

Allele frequency attached by ClinVar (database versions not stated): TOPMed below 0.00001; ExAC 0.00001; gnomAD 0.00001; gnomAD exomes 0.00001.
gnomAD v4.1: 5 of 1,612,516 alleles (0.00031%); highest among the groups gnomAD compares: Admixed American, 0.005%; no homozygotes.

Submission:

Labcorp Genetics (formerly Invitae), Labcorp
Classification: Uncertain significance. Last evaluated: 2023-07-21. Review status: criteria provided, single submitter. Criteria: Invitae Variant Classification Sherloc (09022015). Collection method: clinical testing. Allele origin: germline.
Comment: In summary, the available evidence is currently insufficient to determine the role of this variant in disease. Therefore, it has been classified as a Variant of Uncertain Significance. This sequence change replaces aspartic acid, which is acidic and polar, with asparagine, which is neutral and polar, at codon 849 of the PROM1 protein (p.Asp849Asn). This variant is present in population databases (rs759487438, gnomAD 0.01%). This variant has not been reported in the literature in individuals affected with PROM1-related conditions. ClinVar contains an entry for this variant (Variation ID: 1908955). An algorithm developed to predict the effect of missense changes on protein structure and function (PolyPhen-2) suggests that this variant is likely to be disruptive. Algorithms developed to predict the effect of sequence changes on RNA splicing suggest that this variant may disrupt the consensus splice site.